The following is an entry in ClinVar:

NM_000350.2:c.+10C>A

Gene: ABCA4 (ATP binding cassette subfamily A member 4; minus strand). Cytogenetic location: 1p22.1.
Variant type: single nucleotide variant.
Identifiers: ClinVar variation 136236 (VCV000136236.1).

ClinVar aggregate classification (germline): Benign (1 of 4 stars; one submission).

Submission:

GeneDx
Classification: Benign. Last evaluated: 2014-01-04. Review status: criteria provided, single submitter. Criteria: GeneDx Variant Classification (06012015). Collection method: clinical testing. Allele origin: germline.
Comment: The variant is found in STARGARDT panel(s).